The following is an entry in ClinVar:

ClinVar aggregate classification (germline): Uncertain significance. Review status: criteria provided, multiple submitters, no conflicts (2 of 4 stars). 3 submissions from 3 submitters: Uncertain significance (3). Last evaluated 2024-10-30.

Conditions:
Inborn genetic diseases. Identifiers: MedGen C0950123, MeSH D030342.

Allele frequency attached by ClinVar (database versions not stated): gnomAD exomes 0.00001 and 0.00002; TOPMed 0.00001; ExAC 0.00003; gnomAD 0.00005; ESP Exome Variant Server 0.00008.
gnomAD v4.1: 29 of 1,614,080 alleles (0.0018%); highest among the groups gnomAD compares: African/African-American, 0.004%; no homozygotes.

Submissions (3):

Labcorp Genetics (formerly Invitae), Labcorp
Classification: Uncertain significance. Last evaluated: 2024-10-30. Review status: criteria provided, single submitter. Criteria: Invitae Variant Classification Sherloc (09022015). Collection method: clinical testing. Allele origin: germline.
Comment: This sequence change replaces threonine, which is neutral and polar, with serine, which is neutral and polar, at codon 834 of the ADAMTS17 protein (p.Thr834Ser). This variant is present in population databases (rs368636513, gnomAD 0.01%). This variant has not been reported in the literature in individuals affected with ADAMTS17-related conditions. ClinVar contains an entry for this variant (Variation ID: 497882). An algorithm developed to predict the effect of missense changes on protein structure and function (PolyPhen-2) suggests that this variant is likely to be tolerated. In summary, the available evidence is currently insufficient to determine the role of this variant in disease. Therefore, it has been classified as a Variant of Uncertain Significance.

Ambry Genetics
Classification: Uncertain significance for Inborn genetic diseases. Last evaluated: 2024-02-27. Review status: criteria provided, single submitter. Criteria: Ambry Variant Classification Scheme 2023. Collection method: clinical testing. Allele origin: germline.

Eurofins Ntd Llc (ga)
Classification: Uncertain significance. Last evaluated: 2016-10-10. Review status: criteria provided, single submitter. Criteria: EGL Classification Definitions 2015. Collection method: clinical testing. Allele origin: germline. Observed: 1 variant allele, 1 heterozygote.

NM_139057.4(ADAMTS17):c.2501C>G (p.Thr834Ser)

Gene: ADAMTS17 (ADAM metallopeptidase with thrombospondin type 1 motif 17; minus strand). Cytogenetic location: 15q26.3.
Variant type: single nucleotide variant.
Coding change: c.2501C>G on transcript NM_139057.4 (MANE Select); coding-DNA position 2501, C replaced by G.
Protein change: p.Thr834Ser; replaces threonine 834 with serine.
Molecular consequence: missense variant.
Genome position (GRCh38, 1-based): chr15:100,048,947, G>C on the plus strand (C>G on the coding strand, the complement: ADAMTS17 is on the minus strand). VCF-style: chr15-100048947-G-C. GRCh37 (hg19) VCF-style: chr15-100589152-G-C.
Other names: c.2501C>G (NM_139057.2); short protein forms T834S.
Identifiers: ClinVar variation 497882 (VCV000497882.10), dbSNP rs368636513, ClinGen allele CA7757695.